The following is an entry in ClinVar:

NM_000170.3(GLDC):c.1483-3C>G

Gene: GLDC (glycine decarboxylase; minus strand). Cytogenetic location: 9p24.1.
Variant type: single nucleotide variant.
Coding change: c.1483-3C>G on transcript NM_000170.3 (MANE Select); 3 bases into the intron before coding-DNA position 1483, C replaced by G.
Molecular consequence: intron variant.
Genome position (GRCh38, 1-based): chr9:6,589,295, G>C on the plus strand (C>G on the coding strand, the complement: GLDC is on the minus strand). VCF-style: chr9-6589295-G-C. GRCh37 (hg19) VCF-style: chr9-6589295-G-C.
Identifiers: ClinVar variation 2140304 (VCV002140304.1), dbSNP rs771352774, ClinGen allele CA4980676.

ClinVar aggregate classification (germline): Uncertain significance (1 of 4 stars; one submission).

Conditions:
Glycine encephalopathy. Also called: Non-ketotic hyperglycinemia; Nonketotic hyperglycinemia. Identifiers: Orphanet 407, MedGen C0751748, MONDO:0011612, HP:0008288.

Allele frequency attached by ClinVar (database versions not stated): gnomAD exomes below 0.00001; ExAC 0.00001.
gnomAD v4.1: 5 of 1,584,960 alleles (0.00032%); highest among the groups gnomAD compares: Admixed American, 0.005%; no homozygotes.

Submission:

Labcorp Genetics (formerly Invitae), Labcorp
Classification: Uncertain significance for Glycine encephalopathy. Last evaluated: 2022-08-09. Review status: criteria provided, single submitter. Criteria: Invitae Variant Classification Sherloc (09022015). Collection method: clinical testing. Allele origin: germline.
Comment: This sequence change falls in intron 11 of the GLDC gene. It does not directly change the encoded amino acid sequence of the GLDC protein. It affects a nucleotide within the consensus splice site. This variant is present in population databases (rs771352774, gnomAD 0.006%). This variant has not been reported in the literature in individuals affected with GLDC-related conditions. Variants that disrupt the consensus splice site are a relatively common cause of aberrant splicing (PMID: 17576681, 9536098). Algorithms developed to predict the effect of sequence changes on RNA splicing suggest that this variant may disrupt the consensus splice site. In summary, the available evidence is currently insufficient to determine the role of this variant in disease. Therefore, it has been classified as a Variant of Uncertain Significance.

Literature cited by the submitters: PubMed 17576681; PubMed 9536098.